The following is an entry in ClinVar:

NM_052947.4(ALPK2):c.1121G>A (p.Cys374Tyr)

Genes: ALPK2 (alpha kinase 2; minus strand), LOC114803473 (ALPK2 eExon liver enhancer; plus strand). Cytogenetic location: 18q21.31.
Variant type: single nucleotide variant.
Coding change: c.1121G>A on transcript NM_052947.4 (MANE Select); coding-DNA position 1121, G replaced by A.
Protein change: p.Cys374Tyr; replaces cysteine 374 with tyrosine.
Molecular consequence: missense variant.
Genome position (GRCh38, 1-based): chr18:58,579,655, C>T on the plus strand (G>A on the coding strand, the complement: ALPK2 is on the minus strand). VCF-style: chr18-58579655-C-T. GRCh37 (hg19) VCF-style: chr18-56246887-C-T.
Other names: short protein forms C374Y.
Identifiers: ClinVar variation 3228553 (VCV003228553.1), dbSNP rs748294992, ClinGen allele CA402564627.

ClinVar aggregate classification (germline): Uncertain significance (1 of 4 stars; one submission).

Submission:

Ambry Genetics
Classification: Uncertain significance. Last evaluated: 2023-11-16. Review status: criteria provided, single submitter. Criteria: Ambry Variant Classification Scheme 2023. Collection method: clinical testing. Allele origin: germline.
Comment: The p.C374Y variant (also known as c.1121G>A), located in coding exon 3 of the ALPK2 gene, results from a G to A substitution at nucleotide position 1121. The cysteine at codon 374 is replaced by tyrosine, an amino acid with highly dissimilar properties. This amino acid position is conserved. In addition, this alteration is predicted to be tolerated by in silico analysis. Since supporting evidence is limited at this time, the clinical significance of this alteration remains unclear.